The following is an entry in ClinVar:

NM_000051.4(ATM):c.1179G>A (p.Trp393Ter)

Gene: ATM (ATM serine/threonine kinase; plus strand). Cytogenetic location: 11q22.3.
Variant type: single nucleotide variant.
Coding change: c.1179G>A on transcript NM_000051.4 (MANE Select); coding-DNA position 1179, G replaced by A.
Protein change: p.Trp393Ter; replaces tryptophan 393 with a stop codon.
Molecular consequence: nonsense.
Genome position (GRCh38, 1-based): chr11:108,249,046, G>A. VCF-style: chr11-108249046-G-A. GRCh37 (hg19) VCF-style: chr11-108119773-G-A.
Other names: c.1179G>A, p.Trp393Ter (NM_001351834.2); short protein forms W393*.
Identifiers: ClinVar variation 1069197 (VCV001069197.12), dbSNP rs876658567, ClinGen allele CA382532542.
Genomic context (GRCh38, chr11:108,249,046, plus strand): 5'-ACAAAGAGAATCTAGTGATTACAGTGTCCCTTGCAAAAGGAAGAAAATAGAACTAGGCTG[G>A]GAAGTAATAAAAGATCACCTTCAGAAGTCACAGAATGATTTTGATCTTGTGCCTTGGTAA-3'

ClinVar aggregate classification (germline): Pathogenic. Review status: criteria provided, multiple submitters, no conflicts (2 of 4 stars). 3 submissions from 3 submitters: Pathogenic (3). Last evaluated 2024-01-12.

Conditions:
Hereditary cancer-predisposing syndrome. Also called: Tumor predisposition; Neoplastic Syndromes, Hereditary; Hereditary neoplastic syndrome; Hereditary Cancer Syndrome. Identifiers: Orphanet 140162, MedGen C0027672, MeSH D009386, MONDO:0015356.
Familial cancer of breast. Also called: Hereditary breast cancer; BREAST CANCER, FAMILIAL; hereditary breast carcinoma. Identifiers: Orphanet 227535, MedGen C0346153, MONDO:0016419, OMIM 114480. Disease mechanism: loss of function.
Ataxia-telangiectasia syndrome (AT). Also called: LOUIS-BAR SYNDROME; Ataxia-telangiectasia, complementation group D; AT, COMPLEMENTATION GROUP C; Cerebello-oculocutaneous telangiectasia; Immunodeficiency with ataxia telangiectasia; ATAXIA-TELANGIECTASIA, COMPLEMENTATION GROUP A. Identifiers: Orphanet 100, MedGen C0004135, MONDO:0008840, OMIM 208900.

Submissions (3):

Myriad Genetics, Inc.
Classification: Pathogenic for Familial cancer of breast. Last evaluated: 2024-01-12. Review status: criteria provided, single submitter. Criteria: Myriad Autosomal Dominant, Autosomal Recessive and X-Linked Classification Criteria (2023). Collection method: clinical testing. Allele origin: unknown.
Comment: This variant is considered pathogenic. This variant creates a termination codon and is predicted to result in premature protein truncation.

Labcorp Genetics (formerly Invitae), Labcorp
Classification: Pathogenic for Ataxia-telangiectasia syndrome. Last evaluated: 2022-02-18. Review status: criteria provided, single submitter. Criteria: Invitae Variant Classification Sherloc (09022015). Collection method: clinical testing. Allele origin: germline.
Comment: This sequence change creates a premature translational stop signal (p.Trp393*) in the ATM gene. It is expected to result in an absent or disrupted protein product. Loss-of-function variants in ATM are known to be pathogenic (PMID: 23807571, 25614872). This variant is not present in population databases (gnomAD no frequency). This variant has not been reported in the literature in individuals affected with ATM-related conditions. ClinVar contains an entry for this variant (Variation ID: 1069197). For these reasons, this variant has been classified as Pathogenic.

Color Diagnostics, LLC DBA Color Health
Classification: Pathogenic for Hereditary cancer-predisposing syndrome. Last evaluated: 2020-11-23. Review status: criteria provided, single submitter. Criteria: ACMG Guidelines, 2015. Collection method: clinical testing. Allele origin: germline.
Comment: This variant changes 1 nucleotide in exon 9 of the ATM gene, creating a premature translation stop signal. This variant is expected to result in an absent or non-functional protein product. To our knowledge, this variant has not been reported in individuals affected with hereditary cancer in the literature. This variant has not been identified in the general population by the Genome Aggregation Database (gnomAD). Loss of ATM function is a known mechanism of disease. Based on the available evidence, this variant is classified as Pathogenic.

Literature cited by the submitters: PubMed 23807571 (cited by Labcorp Genetics (formerly Invitae), Labcorp); PubMed 25614872 (cited by Labcorp Genetics (formerly Invitae), Labcorp).